The following is an entry in ClinVar:

NM_004448.4(ERBB2):c.1415C>T (p.Thr472Ile)

Gene: ERBB2 (erb-b2 receptor tyrosine kinase 2; plus strand). Cytogenetic location: 17q12.
Variant type: single nucleotide variant.
Coding change: c.1415C>T on transcript NM_004448.4 (MANE Select); coding-DNA position 1415, C replaced by T.
Protein change: p.Thr472Ile; replaces threonine 472 with isoleucine.
Molecular consequence: missense variant. On other transcripts: non-coding transcript variant (1), intron variant (1).
Genome position (GRCh38, 1-based): chr17:39,715,841, C>T. VCF-style: chr17-39715841-C-T. GRCh37 (hg19) VCF-style: chr17-37872094-C-T.
Other names: c.1325C>T, p.Thr442Ile (NM_001005862.3, NM_001289938.2, NM_001382782.1 and 1 more transcripts); c.1370C>T, p.Thr457Ile (NM_001289936.2); c.1415C>T, p.Thr472Ile (NM_001289937.2, NM_001382785.1, NM_001382788.1 and 12 more transcripts); c.1532C>T, p.Thr511Ile (NM_001382784.1, NM_001382786.1); c.1490C>T, p.Thr497Ile (NM_001382787.1); c.1436C>T, p.Thr479Ile (NM_001382789.1); c.1406C>T, p.Thr469Ile (NM_001382791.1); c.1235C>T, p.Thr412Ile (NM_001382799.1); and 3 more; short protein forms T457I, T469I, T479I, T497I, T442I, T511I, T196I, T386I.
Identifiers: ClinVar variation 2143540 (VCV002143540.4), dbSNP rs768049972, ClinGen allele CA8533975.

ClinVar aggregate classification (germline): Uncertain significance (1 of 4 stars; one submission).

Allele frequency attached by ClinVar (database versions not stated): ExAC 0.00001; gnomAD exomes 0.00001.
gnomAD v4.1: 11 of 1,612,406 alleles (0.00068%); highest among the groups gnomAD compares: Middle Eastern, 0.016%; no homozygotes.

Submission:

Labcorp Genetics (formerly Invitae), Labcorp
Classification: Uncertain significance. Last evaluated: 2022-07-15. Review status: criteria provided, single submitter. Criteria: Invitae Variant Classification Sherloc (09022015). Collection method: clinical testing. Allele origin: germline.
Comment: This sequence change replaces threonine, which is neutral and polar, with isoleucine, which is neutral and non-polar, at codon 472 of the ERBB2 protein (p.Thr472Ile). In summary, the available evidence is currently insufficient to determine the role of this variant in disease. Therefore, it has been classified as a Variant of Uncertain Significance. Algorithms developed to predict the effect of missense changes on protein structure and function (SIFT, PolyPhen-2, Align-GVGD) all suggest that this variant is likely to be tolerated. This variant has not been reported in the literature in individuals affected with ERBB2-related conditions. This variant is present in population databases (rs768049972, gnomAD 0.003%).